The following is an entry in ClinVar:

NM_032043.3(BRIP1):c.2197del (p.Thr733fs)

Gene: BRIP1 (BRCA1 interacting DNA helicase 1; minus strand). Cytogenetic location: 17q23.2.
Variant type: Deletion.
Coding change: c.2197del on transcript NM_032043.3 (MANE Select); coding-DNA position 2197, one base deleted (A; older notation c.2197delA).
Protein change: p.Thr733fs; shifts the reading frame from threonine 733.
Molecular consequence: frameshift variant.
Genome position (GRCh38, 1-based): chr17:61,744,492, T deleted on the plus strand (A on the coding strand, the reverse complement: BRIP1 is on the minus strand); the first of 6 consecutive T bases (chr17:61,744,492-61,744,497); deleting any one gives the same sequence. VCF-style (leftmost placement, unchanged base first): chr17-61744491-GT-G. GRCh37 (hg19) VCF-style: chr17-59821852-GT-G.
Other names: short protein forms T733fs.
Identifiers: ClinVar variation 1070348 (VCV001070348.11), dbSNP rs2144697372, ClinGen allele CA2499224788.

ClinVar aggregate classification (germline): Pathogenic. Review status: criteria provided, multiple submitters, no conflicts (2 of 4 stars). 3 submissions from 3 submitters: Pathogenic (3). Last evaluated 2023-06-06.

Conditions:
Hereditary cancer-predisposing syndrome. Also called: Tumor predisposition; Neoplastic Syndromes, Hereditary; Hereditary neoplastic syndrome; Hereditary Cancer Syndrome. Identifiers: Orphanet 140162, MedGen C0027672, MeSH D009386, MONDO:0015356.
Familial cancer of breast. Also called: Hereditary breast cancer; BREAST CANCER, FAMILIAL; hereditary breast carcinoma. Identifiers: Orphanet 227535, MedGen C0346153, MONDO:0016419, OMIM 114480. Disease mechanism: loss of function.
Fanconi anemia complementation group J. Also called: BRIP1-Related Fanconi Anemia. Identifiers: Orphanet 84, MedGen C1836860, MONDO:0012187, OMIM 609054.

Submissions (3):

Myriad Genetics, Inc.
Classification: Pathogenic for Familial cancer of breast. Last evaluated: 2023-06-06. Review status: criteria provided, single submitter. Criteria: Myriad Autosomal Dominant, Autosomal Recessive and X-Linked Classification Criteria (2023). Collection method: clinical testing. Allele origin: unknown.
Comment: This variant is considered pathogenic. This variant creates a frameshift predicted to result in premature protein truncation.

Ambry Genetics
Classification: Pathogenic for Hereditary cancer-predisposing syndrome. Last evaluated: 2022-04-27. Review status: criteria provided, single submitter. Criteria: Ambry Variant Classification Scheme 2023. Collection method: clinical testing. Allele origin: germline.
Comment: The c.2197delA pathogenic mutation, located in coding exon 14 of the BRIP1 gene, results from a deletion of one nucleotide at nucleotide position 2197, causing a translational frameshift with a predicted alternate stop codon (p.T733Qfs*26). This variant is considered to be rare based on population cohorts in the Genome Aggregation Database (gnomAD). This alteration is expected to result in loss of function by premature protein truncation or nonsense-mediated mRNA decay. As such, this alteration is interpreted as a disease-causing mutation.

Labcorp Genetics (formerly Invitae), Labcorp
Classification: Pathogenic for Familial cancer of breast; Fanconi anemia complementation group J. Last evaluated: 2020-04-18. Review status: criteria provided, single submitter. Criteria: Invitae Variant Classification Sherloc (09022015). Collection method: clinical testing. Allele origin: germline.
Comment: This variant is not present in population databases (ExAC no frequency). This sequence change creates a premature translational stop signal (p.Thr733Glnfs*26) in the BRIP1 gene. It is expected to result in an absent or disrupted protein product. This variant has not been reported in the literature in individuals with BRIP1-related conditions. For these reasons, this variant has been classified as Pathogenic. Loss-of-function variants in BRIP1 are known to be pathogenic (PMID: 16116423, 17033622, 21964575).

Literature cited by the submitters: PubMed 16116423 (cited by Labcorp Genetics (formerly Invitae), Labcorp); PubMed 17033622 (cited by Labcorp Genetics (formerly Invitae), Labcorp); PubMed 21964575 (cited by Labcorp Genetics (formerly Invitae), Labcorp).